The following is an entry in ClinVar:

NM_006744.4(RBP4):c.383A>G (p.Asp128Gly)

Gene: RBP4 (retinol binding protein 4; minus strand). Cytogenetic location: 10q23.33.
Variant type: single nucleotide variant.
Coding change: c.383A>G on transcript NM_006744.4 (MANE Select); coding-DNA position 383, A replaced by G.
Protein change: p.Asp128Gly; replaces aspartic acid 128 with glycine.
Molecular consequence: missense variant.
Genome position (GRCh38, 1-based): chr10:93,594,008, T>C on the plus strand (A>G on the coding strand, the complement: RBP4 is on the minus strand). VCF-style: chr10-93594008-T-C. GRCh37 (hg19) VCF-style: chr10-95353765-T-C.
Other names: c.383A>G, p.Asp128Gly (NM_001323517.1); c.377A>G, p.Asp126Gly (NM_001323518.2); short protein forms D126G, D128G.
Identifiers: ClinVar variation 2430199 (VCV002430199.2), dbSNP rs2494059270, ClinGen allele CA377615895.

ClinVar aggregate classification (germline): Likely pathogenic (1 of 4 stars; one submission).

Conditions:
Anterior segment dysgenesis. Also called: Ocular anterior segment dysgenesis. Identifiers: Orphanet 88632, MedGen C1862839, MONDO:0019503, HP:0007700.

Submission:

Genetics Department, University Hospital of Toulouse
Classification: Likely pathogenic for Anterior segment dysgenesis. Last evaluated: 2022-12-06. Review status: criteria provided, single submitter. Criteria: ACMG Guidelines, 2015. Collection method: clinical testing. Allele origin: germline. Affected: yes. Observed: 2 variant alleles.
Comment: PM2, PP2, PP3